The following is an entry in ClinVar:

NM_017739.4(POMGNT1):c.351del (p.Thr118fs)

Gene: POMGNT1 (protein O-linked mannose N-acetylglucosaminyltransferase 1 (beta 1,2-); minus strand). Cytogenetic location: 1p34.1.
Variant type: Deletion.
Coding change: c.351del on transcript NM_017739.4 (MANE Select); coding-DNA position 351, one base deleted (C; older notation c.351delC).
Protein change: p.Thr118fs; shifts the reading frame from threonine 118.
Molecular consequence: frameshift variant. On other transcripts: 5 prime UTR variant (1).
Genome position (GRCh38, 1-based): chr1:46,196,734, G deleted on the plus strand (C on the coding strand, the reverse complement: POMGNT1 is on the minus strand); the first of 2 consecutive G bases (chr1:46,196,734-46,196,735); deleting either gives the same sequence. VCF-style (leftmost placement, unchanged base first): chr1-46196733-TG-T. GRCh37 (hg19) VCF-style: chr1-46662405-TG-T.
Other names: NM_017739.4(POMGNT1):c.351del; p.Thr118fs; c.351del, p.Thr118fs (NM_001243766.2, NM_001410783.1); c.284delC, p.Thr96Argfs (NM_001290129.3); c.-79del (NM_001290130.2); c.351delC (NM_017739.3); short protein forms T118fs, T96fs.
Identifiers: ClinVar variation 56598 (VCV000056598.11), dbSNP rs386834028, ClinGen allele CA263969.

ClinVar aggregate classification (germline): Pathogenic. Review status: criteria provided, multiple submitters, no conflicts (2 of 4 stars). 5 submissions from 5 submitters: Pathogenic (4). 1 of the submissions does not count toward it. Last evaluated 2024-09-26.

Conditions:
Autosomal recessive limb-girdle muscular dystrophy type 2O. Also called: MUSCULAR DYSTROPHY-DYSTROGLYCANOPATHY (LIMB-GIRDLE), TYPE C, 3; MUSCULAR DYSTROPHY-DYSTROGLYCANOPATHY, LIMB-GIRDLE, POMGNT1-RELATED; Limb-Girdle Muscular Dystrophy Type 3C. Identifiers: Orphanet 206564, MedGen C3150417, MONDO:0013161, OMIM 613157.
Muscular dystrophy-dystroglycanopathy (congenital with impaired intellectual development), type B, 3. Also called: Muscular dystrophy-dystroglycanopathy (congenital with intellectual disability), type B3; MUSCULAR DYSTROPHY, CONGENITAL, POMGNT1-RELATED. Identifiers: MedGen C3150412, MONDO:0013155, OMIM 613151.
Muscular dystrophy-dystroglycanopathy. Also called: Congenital muscular dystrophy due to dystroglycanopathy. Identifiers: Orphanet 370953, MedGen C5679911, MONDO:0018276.
Myopathy caused by variation in POMGNT1. Identifiers: MedGen CN305639, MONDO:0700068.
Muscle eye brain disease (MEB). Also called: Santavuori congenital muscular dystrophy. Identifiers: Orphanet 588, Orphanet 899, MedGen C0457133, MONDO:0018939.

Submissions (5):

Myriad Genetics, Inc.
Classification: Pathogenic for Myopathy caused by variation in POMGNT1. Last evaluated: 2024-09-26. Review status: criteria provided, single submitter. Criteria: Myriad Autosomal Dominant, Autosomal Recessive and X-Linked Classification Criteria (2023). Collection method: clinical testing. Allele origin: unknown.
Comment: NM_017739.3(POMGNT1):c.351delC(T118Rfs*26) is expected to be pathogenic in the context of POMGNT1-related disorders. This variant is predicted to lead to an abnormal or absent protein product due to the creation of a premature termination codon in POMGNT1, a gene where loss-of-function variants are known to be pathogenic. Please note: this variant was assessed in the context of healthy population screening.

Broad Center for Mendelian Genomics, Broad Institute of MIT and Harvard
Classification: Pathogenic for Muscular dystrophy-dystroglycanopathy. Last evaluated: 2023-01-24. Review status: criteria provided, single submitter. Criteria: ACMG Guidelines, 2015. Collection method: curation. Allele origin: germline. Inheritance: Autosomal recessive inheritance.
Comment: The p.Thr118fs variant in POMGNT1 has been reported in at least 2 individuals with muscular dystrophy-dystroglycanopathy (PMID: 22554691, 192993101), and has been identified in 0.0009% (1/113672) of non-Finnish European chromosomes by the Genome Aggregation Database (gnomAD; dbSNP ID: rs1339563119). Although this variant has been seen in the general population in a heterozygous state, its frequency is low enough to be consistent with a recessive carrier frequency. This variant has also been reported in ClinVar (Variation ID#:56598) and has been interpreted as pathogenic by Invitae and the Juha Muilu Group (Institute for Molecular Medicine Finland (FIMM)). Of the two affected individuals, two were compound heterozygotes who carried a pathogenic or likely pathogenic variant in trans, which increases the likelihood that the p.Thr118fs variant is pathogenic (ClinVarID: 56593; PMID: 22554691, 19299310). This variant is predicted to cause a frameshift, which alters the protein‚Äôs amino acid sequence beginning at position 118 and leads to a premature termination codon 26 amino acids downstream. This alteration is then predicted to lead to a truncated or absent protein. Loss of function of the POMGNT1 gene is an established disease mechanism in autosomal recessive POMGNT1-associated muscular dystrophy-dystroglycanopathy. In summary, this variant meets criteria to be classified as pathogenic for POMGNT1-associated muscular dystrophy-dystroglycanopathy. ACMG/AMP Criteria applied: PVS1, PM2_Supporting, PM3_Strong (Richards 2015).

Revvity Omics, Revvity
Classification: Pathogenic. Last evaluated: 2022-06-08. Review status: criteria provided, single submitter. Criteria: ACMG Guidelines, 2015. Collection method: clinical testing. Allele origin: germline.

Labcorp Genetics (formerly Invitae), Labcorp
Classification: Pathogenic for Autosomal recessive limb-girdle muscular dystrophy type 2O; Muscular dystrophy-dystroglycanopathy (congenital with impaired intellectual development), type B, 3. Last evaluated: 2021-08-06. Review status: criteria provided, single submitter. Criteria: Invitae Variant Classification Sherloc (09022015). Collection method: clinical testing. Allele origin: germline.
Comment: This variant is also known as c.350delC (p.T117fsX26). For these reasons, this variant has been classified as Pathogenic. ClinVar contains an entry for this variant (Variation ID: 56598). This premature translational stop signal has been observed in individual(s) with clinical features of muscular dystrophy-dystroglycanopathy (PMID: 19299310). This variant is present in population databases (rs386834028, ExAC 0.002%). This sequence change creates a premature translational stop signal (p.Thr118Argfs*26) in the POMGNT1 gene. It is expected to result in an absent or disrupted protein product. Loss-of-function variants in POMGNT1 are known to be pathogenic (PMID: 19299310, 20816175, 21447391, 26908613, 27391550).

Juha Muilu Group; Institute for Molecular Medicine Finland (FIMM)
Classification: Likely pathogenic for Muscle eye brain disease. Review status: no assertion criteria provided. Collection method: not provided. Allele origin: unknown. Not counted in ClinVar's aggregate classification.
Comment: FinDis database variant: This variant was not found or characterized by our laboratory, data were collected from public sources: see reference
ClinVar note: Converted during submission from probable-pathogenic to Likely pathogenic.

Literature cited by the submitters: PubMed 19299310 (cited by Labcorp Genetics (formerly Invitae), Labcorp); PubMed 20816175 (cited by Labcorp Genetics (formerly Invitae), Labcorp); PubMed 21447391 (cited by Labcorp Genetics (formerly Invitae), Labcorp); PubMed 26908613 (cited by Labcorp Genetics (formerly Invitae), Labcorp); PubMed 27391550 (cited by Labcorp Genetics (formerly Invitae), Labcorp).